The following is an entry in ClinVar:

ClinVar aggregate classification (germline): Likely benign (1 of 4 stars; one submission).

Submission:

CeGaT Center for Human Genetics Tuebingen
Classification: Likely benign. Last evaluated: 2025-02-01. Review status: criteria provided, single submitter. Criteria: CeGaT Center For Human Genetics Tuebingen Variant Classification Criteria Version 2. Collection method: clinical testing. Allele origin: germline. Affected: yes. Observed: 1 variant allele.
Comment: OR4F17: BP4, BP7

NM_001005240.3(OR4F17):c.363A>G (p.Lys121=)

Gene: OR4F17 (olfactory receptor family 4 subfamily F member 17; plus strand). Cytogenetic location: 19p13.3.
Variant type: single nucleotide variant.
Coding change: c.363A>G on transcript NM_001005240.3 (MANE Select); coding-DNA position 363, A replaced by G.
Protein change: p.Lys121=; no amino-acid change (lysine 121 retained).
Molecular consequence: synonymous variant.
Genome position (GRCh38, 1-based): chr19:111,041, A>G. VCF-style: chr19-111041-A-G. GRCh37 (hg19) VCF-style: chr19-111041-A-G.
Other names: c.426A>G, p.Lys142= (NM_001429985.1).
Identifiers: ClinVar variation 3770918 (VCV003770918.13).